The following is an entry in ClinVar:

NM_014319.5(LEMD3):c.988A>T (p.Arg330Trp)

Gene: LEMD3 (LEM domain containing 3; plus strand). Cytogenetic location: 12q14.3.
Variant type: single nucleotide variant.
Coding change: c.988A>T on transcript NM_014319.5 (MANE Select); coding-DNA position 988, A replaced by T.
Protein change: p.Arg330Trp; replaces arginine 330 with tryptophan.
Molecular consequence: missense variant.
Genome position (GRCh38, 1-based): chr12:65,170,584, A>T. VCF-style: chr12-65170584-A-T. GRCh37 (hg19) VCF-style: chr12-65564364-A-T.
Other names: c.988A>T, p.Arg330Trp (NM_001167614.2); short protein forms R330W.
Identifiers: ClinVar variation 3003884 (VCV003003884.3), dbSNP rs768546772, ClinGen allele CA6670821.

ClinVar aggregate classification (germline): Uncertain significance (1 of 4 stars; one submission).

Allele frequency attached by ClinVar (database versions not stated): ExAC 0.00001.
gnomAD v4.1: 20 of 1,613,876 alleles (0.0012%); highest among the groups gnomAD compares: African/African-American, 0.004%; no homozygotes.

Submission:

Labcorp Genetics (formerly Invitae), Labcorp
Classification: Uncertain significance. Last evaluated: 2023-10-26. Review status: criteria provided, single submitter. Criteria: Invitae Variant Classification Sherloc (09022015). Collection method: clinical testing. Allele origin: germline.
Comment: This sequence change replaces arginine, which is basic and polar, with tryptophan, which is neutral and slightly polar, at codon 330 of the LEMD3 protein (p.Arg330Trp). This variant is present in population databases (rs768546772, gnomAD 0.01%). This variant has not been reported in the literature in individuals affected with LEMD3-related conditions. Advanced modeling of protein sequence and biophysical properties (such as structural, functional, and spatial information, amino acid conservation, physicochemical variation, residue mobility, and thermodynamic stability) performed at Invitae indicates that this missense variant is not expected to disrupt LEMD3 protein function with a negative predictive value of 80%. In summary, the available evidence is currently insufficient to determine the role of this variant in disease. Therefore, it has been classified as a Variant of Uncertain Significance.